The following is an entry in ClinVar:

ClinVar aggregate classification (germline): Likely benign (1 of 4 stars; one submission).

gnomAD v4.1: 2 of 1,614,152 alleles (0.00012%); highest among the groups gnomAD compares: Non-Finnish European, 0.00017%; no homozygotes.

Submission:

CeGaT Center for Human Genetics Tuebingen
Classification: Likely benign. Last evaluated: 2026-03-01. Review status: criteria provided, single submitter. Criteria: CeGaT Center For Human Genetics Tuebingen Variant Classification Criteria Version 2. Collection method: clinical testing. Allele origin: germline. Affected: yes. Observed: 1 variant allele.
Comment: KDM5B: BP4, BP7

NM_006618.5(KDM5B):c.4329C>T (p.Pro1443=)

Gene: KDM5B (lysine demethylase 5B; minus strand). Cytogenetic location: 1q32.1.
Variant type: single nucleotide variant.
Coding change: c.4329C>T on transcript NM_006618.5 (MANE Select); coding-DNA position 4329, C replaced by T.
Protein change: p.Pro1443=; no amino-acid change (proline 1443 retained).
Molecular consequence: synonymous variant.
Genome position (GRCh38, 1-based): chr1:202,729,875, G>A on the plus strand (C>T on the coding strand, the complement: KDM5B is on the minus strand). VCF-style: chr1-202729875-G-A. GRCh37 (hg19) VCF-style: chr1-202699003-G-A.
Other names: c.4437C>T, p.Pro1479= (NM_001314042.2); c.4194C>T, p.Pro1398= (NM_001347591.2); c.4314C>T, p.Pro1438= (NM_001399817.1).
Identifiers: ClinVar variation 4823561 (VCV004823561.4).